The following is an entry in ClinVar:

Conditions:
Long QT syndrome 5 (LQT5). Identifiers: Orphanet 101016, Orphanet 768, MedGen C1867904, MONDO:0013372, OMIM 613695.

Submission:

Roden Lab, Vanderbilt University Medical Center
No classification provided (evidence only). Condition: Long QT syndrome 5. Review status: no classification provided. Collection method: in vitro. Allele origin: not applicable. Functional consequence: Effect on ion channel function.
ClinVar note: "not provided" was previously submitted as the classification for the variant. However, the classification appeared to be based only on an observation of functional data so it was converted to no classification on 2025-07-30.

NM_000219.6(KCNE1):c.278C>G (p.Ala93Gly)

Gene: KCNE1 (potassium voltage-gated channel subfamily E regulatory subunit 1; minus strand). Cytogenetic location: 21q22.12.
Variant type: single nucleotide variant.
Coding change: c.278C>G on transcript NM_000219.6 (MANE Select); coding-DNA position 278, C replaced by G.
Protein change: p.Ala93Gly; replaces alanine 93 with glycine.
Molecular consequence: missense variant.
Genome position (GRCh38, 1-based): chr21:34,449,357, G>C on the plus strand (C>G on the coding strand, the complement: KCNE1 is on the minus strand). VCF-style: chr21-34449357-G-C. GRCh37 (hg19) VCF-style: chr21-35821655-G-C.
Other names: c.278C>G, p.Ala93Gly (NM_001270404.3, NM_001270405.3, NM_001127668.4 and 4 more transcripts); short protein forms A93G.
Identifiers: ClinVar variation 3374514 (VCV003374514.2).